The following is an entry in ClinVar:

NM_002292.4(LAMB2):c.2626C>T (p.Pro876Ser)

Genes: LAMB2 (laminin subunit beta 2; minus strand), LOC129936738 (ATAC-STARR-seq lymphoblastoid active region 19855; plus strand). Cytogenetic location: 3p21.31.
Variant type: single nucleotide variant.
Coding change: c.2626C>T on transcript NM_002292.4 (MANE Select); coding-DNA position 2626, C replaced by T.
Protein change: p.Pro876Ser; replaces proline 876 with serine.
Molecular consequence: missense variant.
Genome position (GRCh38, 1-based): chr3:49,125,347, G>A on the plus strand (C>T on the coding strand, the complement: LAMB2 is on the minus strand). VCF-style: chr3-49125347-G-A. GRCh37 (hg19) VCF-style: chr3-49162780-G-A.
Other names: short protein forms P876S.
Identifiers: ClinVar variation 961492 (VCV000961492.7), dbSNP rs200108816, ClinGen allele CA2394264.

ClinVar aggregate classification (germline): Uncertain significance (1 of 4 stars; one submission).

Conditions:
LAMB2-related infantile-onset nephrotic syndrome. Also called: NEPHROTIC SYNDROME, TYPE 5, WITHOUT OCULAR ABNORMALITIES; NEPHROTIC SYNDROME, TYPE 5, WITH OCULAR ABNORMALITIES; Nephrotic Syndrome, type 5. Identifiers: Orphanet 306507, MedGen C3280113, MONDO:0013621, OMIM 614199.
Pierson syndrome. Also called: MICROCORIA-CONGENITAL NEPHROTIC SYNDROME. Identifiers: Orphanet 2670, MedGen C1836876, MONDO:0012184, OMIM 609049.

Allele frequency attached by ClinVar (database versions not stated): gnomAD exomes below 0.00001 and 0.00001; ExAC 0.00001; gnomAD 0.00001; 1000 Genomes Project 30x 0.00016; 1000 Genomes Project 0.00020.
gnomAD v4.1: 20 of 1,614,080 alleles (0.0012%); highest among the groups gnomAD compares: Non-Finnish European, 0.0016%; no homozygotes.

Submission:

Labcorp Genetics (formerly Invitae), Labcorp
Classification: Uncertain significance for LAMB2-related infantile-onset nephrotic syndrome; Pierson syndrome. Last evaluated: 2022-03-23. Review status: criteria provided, single submitter. Criteria: Invitae Variant Classification Sherloc (09022015). Collection method: clinical testing. Allele origin: germline.
Comment: This sequence change replaces proline, which is neutral and non-polar, with serine, which is neutral and polar, at codon 876 of the LAMB2 protein (p.Pro876Ser). In summary, the available evidence is currently insufficient to determine the role of this variant in disease. Therefore, it has been classified as a Variant of Uncertain Significance. Algorithms developed to predict the effect of missense changes on protein structure and function are either unavailable or do not agree on the potential impact of this missense change (SIFT: "Deleterious"; PolyPhen-2: "Probably Damaging"; Align-GVGD: "Class C0"). ClinVar contains an entry for this variant (Variation ID: 961492). This variant has not been reported in the literature in individuals affected with LAMB2-related conditions. This variant is present in population databases (rs200108816, gnomAD 0.0009%).